The following is an entry in ClinVar:

NM_001267550.2(TTN):c.84188G>A (p.Arg28063His)

Genes: TTN (titin; minus strand), TTN-AS1 (TTN antisense RNA 1; plus strand). Cytogenetic location: 2q31.2.
Variant type: single nucleotide variant.
Coding change: c.84188G>A on transcript NM_001267550.2 (MANE Select); coding-DNA position 84188, G replaced by A.
Protein change: p.Arg28063His; replaces arginine 28063 with histidine.
Molecular consequence: missense variant.
Genome position (GRCh38, 1-based): chr2:178,561,944, C>T on the plus strand (G>A on the coding strand, the complement: TTN is on the minus strand). VCF-style: chr2-178561944-C-T. GRCh37 (hg19) VCF-style: chr2-179426671-C-T.
Other names: c.79265G>A, p.Arg26422His (NM_001256850.1); c.56993G>A, p.Arg18998His (NM_003319.4); c.76484G>A, p.Arg25495His (NM_133378.4); c.57368G>A, p.Arg19123His (NM_133432.3); c.57569G>A, p.Arg19190His (NM_133437.4); short protein forms R25495H, R28063H, R18998H, R19123H, R19190H, R26422H.
Identifiers: ClinVar variation 289523 (VCV000289523.12), dbSNP rs570847832, ClinGen allele CA1988812.

ClinVar aggregate classification (germline): Conflicting classifications of pathogenicity. Review status: criteria provided, conflicting classifications (1 of 4 stars). 5 submissions from 5 submitters: Uncertain significance (3); Likely benign (2). Last evaluated 2026-07-26.

Conditions:
Dilated cardiomyopathy 1G (CMD1G). Identifiers: Orphanet 154, MedGen C1858763, MONDO:0011400, OMIM 604145.
Autosomal recessive limb-girdle muscular dystrophy type 2J (LGMDR10). Also called: Limb-girdle muscular dystrophy, type 2J; MUSCULAR DYSTROPHY, LIMB-GIRDLE, AUTOSOMAL RECESSIVE 10. Identifiers: Orphanet 140922, MedGen C1837342, MONDO:0012127, OMIM 608807.
Cardiomyopathy (CMYO). Also called: Cardiomyopathies. Identifiers: Orphanet 167848, MedGen C0878544, MONDO:0004994, HP:0001638. Inheritance: Various modes of inheritance.
TTN-related disorder. Also called: TTN-related condition; TTN-related disease; TTN-related disorders.

Allele frequency attached by ClinVar (database versions not stated): gnomAD 0.00003 and 0.00004; TOPMed 0.00003; gnomAD exomes 0.00006 and 0.00008; ExAC 0.00010; 1000 Genomes Project 30x 0.00016; 1000 Genomes Project 0.00020.
gnomAD v4.1: 99 of 1,613,106 alleles (0.0061%); highest among the groups gnomAD compares: South Asian, 0.0088%; no homozygotes.

Submissions (5):

PreventionGenetics, part of Exact Sciences
Classification: Uncertain significance for TTN-related condition. Last evaluated: 2026-07-26. Review status: criteria provided, single submitter. Criteria: ACMG Guidelines, 2015. Collection method: clinical testing. Allele origin: germline.
Comment: The TTN c.84188G>A variant is predicted to result in the amino acid substitution p.Arg28063His. To our knowledge, this variant has not been reported in the literature. This variant is reported in 0.026% of alleles in individuals of South Asian descent in gnomAD. At this time, the clinical significance of this variant is uncertain due to the absence of conclusive functional and genetic evidence.

CHEO Genetics Diagnostic Laboratory, Children's Hospital of Eastern Ontario
Classification: Likely benign for Cardiomyopathy. Last evaluated: 2023-06-19. Review status: criteria provided, single submitter. Criteria: ACMG Guidelines, 2015. Collection method: clinical testing. Allele origin: germline.

GeneDx
Classification: Likely benign. Last evaluated: 2019-03-27. Review status: criteria provided, single submitter. Criteria: GeneDx Variant Classification Process June 2021. Collection method: clinical testing. Allele origin: germline. Affected: yes.

Labcorp Genetics (formerly Invitae), Labcorp
Classification: Uncertain significance for Dilated cardiomyopathy 1G; Autosomal recessive limb-girdle muscular dystrophy type 2J. Last evaluated: 2016-11-26. Review status: criteria provided, single submitter. Criteria: Invitae Variant Classification Sherloc (09022015). Collection method: clinical testing. Allele origin: germline.

Eurofins Ntd Llc (ga)
Classification: Uncertain significance. Last evaluated: 2016-07-14. Review status: criteria provided, single submitter. Criteria: EGL Classification Definitions 2015. Collection method: clinical testing. Allele origin: germline.